The following is an entry in ClinVar:

NM_006767.4(LZTR1):c.1578G>T (p.Gln526His)

Gene: LZTR1 (leucine zipper like post translational regulator 1; plus strand). Cytogenetic location: 22q11.21.
Variant type: single nucleotide variant.
Coding change: c.1578G>T on transcript NM_006767.4 (MANE Select); coding-DNA position 1578, G replaced by T.
Protein change: p.Gln526His; replaces glutamine 526 with histidine.
Molecular consequence: missense variant.
Genome position (GRCh38, 1-based): chr22:20,994,232, G>T. VCF-style: chr22-20994232-G-T. GRCh37 (hg19) VCF-style: chr22-21348521-G-T.
Other names: short protein forms Q526H.
Identifiers: ClinVar variation 3238103 (VCV003238103.1), dbSNP rs2518621058.

ClinVar aggregate classification (germline): Uncertain significance (1 of 4 stars; one submission).

Conditions:
Hereditary cancer-predisposing syndrome. Also called: Neoplastic Syndromes, Hereditary; Tumor predisposition; Hereditary neoplastic syndrome; Hereditary Cancer Syndrome. Identifiers: Orphanet 140162, MedGen C0027672, MeSH D009386, MONDO:0015356.
Cardiovascular phenotype. Identifiers: MedGen CN230736.

Submission:

Ambry Genetics
Classification: Uncertain significance for Cardiovascular phenotype; Hereditary cancer-predisposing syndrome. Last evaluated: 2023-11-15. Review status: criteria provided, single submitter. Criteria: Ambry Variant Classification Scheme 2023. Collection method: clinical testing. Allele origin: germline.
Comment: The p.Q526H variant (also known as c.1578G>T), located in coding exon 14 of the LZTR1 gene, results from a G to T substitution at nucleotide position 1578. The glutamine at codon 526 is replaced by histidine, an amino acid with highly similar properties. This amino acid position is conserved. In addition, the in silico prediction for this alteration is inconclusive. Since supporting evidence is limited at this time, the clinical significance of this alteration remains unclear.